The following is an entry in ClinVar:

ClinVar aggregate classification (germline): Uncertain significance (1 of 4 stars; one submission).

Conditions:
Tuberous sclerosis 2 (TSC2). Identifiers: Orphanet 805, MedGen C1860707, MONDO:0013199, OMIM 613254.

Submission:

Labcorp Genetics (formerly Invitae), Labcorp
Classification: Uncertain significance for Tuberous sclerosis 2. Last evaluated: 2023-04-08. Review status: criteria provided, single submitter. Criteria: Invitae Variant Classification Sherloc (09022015). Collection method: clinical testing. Allele origin: germline.
Comment: In summary, the available evidence is currently insufficient to determine the role of this variant in disease. Therefore, it has been classified as a Variant of Uncertain Significance. Advanced modeling of protein sequence and biophysical properties (such as structural, functional, and spatial information, amino acid conservation, physicochemical variation, residue mobility, and thermodynamic stability) performed at Invitae indicates that this missense variant is not expected to disrupt TSC2 protein function. This variant has not been reported in the literature in individuals affected with TSC2-related conditions. This variant is not present in population databases (gnomAD no frequency). This sequence change replaces phenylalanine, which is neutral and non-polar, with leucine, which is neutral and non-polar, at codon 966 of the TSC2 protein (p.Phe966Leu).

NM_000548.5(TSC2):c.2898C>G (p.Phe966Leu)

Gene: TSC2 (TSC complex subunit 2; plus strand). Cytogenetic location: 16p13.3.
Variant type: single nucleotide variant.
Coding change: c.2898C>G on transcript NM_000548.5 (MANE Select); coding-DNA position 2898, C replaced by G.
Protein change: p.Phe966Leu; replaces phenylalanine 966 with leucine.
Molecular consequence: missense variant. On other transcripts: intron variant (9).
Genome position (GRCh38, 1-based): chr16:2,077,658, C>G. VCF-style: chr16-2077658-C-G. GRCh37 (hg19) VCF-style: chr16-2127659-C-G.
Other names: c.2898C>G, p.Phe966Leu (NM_001114382.3); c.2837+1073C>G (NM_021055.3, NM_001370405.1, NM_001363528.2 and 2 more transcripts); c.2726+1073C>G (NM_001318827.2); c.2237+1073C>G (NM_001318831.2); c.2690+1073C>G (NM_001318829.2); c.2870+1073C>G (NM_001318832.2); short protein forms F966L.
Identifiers: ClinVar variation 1361808 (VCV001361808.6), dbSNP rs2151414830, ClinGen allele CA394281151.